The following is an entry in ClinVar:

ClinVar aggregate classification (germline): Benign. Review status: criteria provided, multiple submitters, no conflicts (2 of 4 stars). 2 submissions from 2 submitters: Benign (2). Last evaluated 2021-02-25.

Allele frequency attached by ClinVar (database versions not stated): 1000 Genomes Project 0.03874; 1000 Genomes Project 30x 0.03904; gnomAD exomes 0.04441 and 0.04782; TOPMed 0.04594; ExAC 0.04599; gnomAD 0.04650 and 0.04677; ESP Exome Variant Server 0.04919.
gnomAD v4.1: 77,469 of 1,613,632 alleles (4.8%); highest among the groups gnomAD compares: Middle Eastern, 8.3%; 2,010 homozygotes.

Submissions (2):

GeneDx
Classification: Benign. Last evaluated: 2021-02-25. Review status: criteria provided, single submitter. Criteria: GeneDx Variant Classification Process June 2021. Collection method: clinical testing. Allele origin: germline. Affected: yes.
Comment: This variant is associated with the following publications: (PMID: 32514133)

Breakthrough Genomics
Classification: Benign. Review status: criteria provided, single submitter. Criteria: ACMG Guidelines, 2015. Collection method: not provided. Allele origin: germline. Inheritance: Unknown mechanism. Affected: yes.

NM_022904.3(RASAL3):c.751C>G (p.Leu251Val)

Gene: RASAL3 (RAS protein activator like 3; minus strand). Cytogenetic location: 19p13.12.
Variant type: single nucleotide variant.
Coding change: c.751C>G on transcript NM_022904.3 (MANE Select); coding-DNA position 751, C replaced by G.
Protein change: p.Leu251Val; replaces leucine 251 with valine.
Molecular consequence: missense variant.
Genome position (GRCh38, 1-based): chr19:15,458,567, G>C on the plus strand (C>G on the coding strand, the complement: RASAL3 is on the minus strand). VCF-style: chr19-15458567-G-C. GRCh37 (hg19) VCF-style: chr19-15569378-G-C.
Other names: c.751C>G, p.Leu251Val (NM_001348027.2); c.733C>G, p.Leu245Val (NM_001348028.2); short protein forms L245V, L251V.
Identifiers: ClinVar variation 1222449 (VCV001222449.4), dbSNP rs58123634, ClinGen allele CA9268689.